The following is an entry in ClinVar:

NM_001378452.1(ITPR1):c.4281+6C>T

Gene: ITPR1 (inositol 1,4,5-trisphosphate receptor type 1; plus strand). Cytogenetic location: 3p26.1.
Variant type: single nucleotide variant.
Coding change: c.4281+6C>T on transcript NM_001378452.1 (MANE Select); 6 bases into the intron after coding-DNA position 4281, C replaced by T.
Molecular consequence: intron variant.
Genome position (GRCh38, 1-based): chr3:4,693,747, C>T. VCF-style: chr3-4693747-C-T. GRCh37 (hg19) VCF-style: chr3-4735431-C-T.
Other names: c.4209+6C>T (NM_002222.5, NM_002222.7); c.4236+6C>T (NM_001168272.1, NM_001168272.2); c.4254+6C>T (NM_001099952.4).
Identifiers: ClinVar variation 2782305 (VCV002782305.5), dbSNP rs779147075, ClinGen allele CA2231928.
Genomic context (GRCh38, chr3:4,693,747, plus strand): 5'-GCTCCCGCTGGATGACATCGTTCGCGTGGTGACCCACGAGGACTGCATCCCTGAGGTGAG[C>T]GAGCCCAGCCTGGCTGTGCCCTTCTCGTTGCTATGTGGTGTGTGCTGTCGTGGCTCACTG-3'

ClinVar aggregate classification (germline): Conflicting classifications of pathogenicity. Review status: criteria provided, conflicting classifications (1 of 4 stars). 3 submissions from 3 submitters: Uncertain significance (2); Likely benign (1). Last evaluated 2025-12-10.

Conditions:
ITPR1-related disorder. Also called: ITPR1-related condition.

Allele frequency attached by ClinVar (database versions not stated): ExAC 0.00001.
gnomAD v4.1: 2 of 1,606,588 alleles (0.00012%); highest among the groups gnomAD compares: Admixed American, 0.0017%; no homozygotes.

Submissions (3):

PreventionGenetics, part of Exact Sciences
Classification: Likely benign for ITPR1-related condition. Last evaluated: 2025-12-10. Review status: criteria provided, single submitter. Criteria: ACMG Guidelines, 2015. Collection method: clinical testing. Allele origin: germline.
Comment: This variant is classified as likely benign based on ACMG/AMP sequence variant interpretation guidelines (Richards et al. 2015 PMID: 25741868, with internal and published modifications).

Athena Diagnostics
Classification: Uncertain significance. Last evaluated: 2025-02-20. Review status: criteria provided, single submitter. Criteria: Athena Diagnostics Criteria. Collection method: clinical testing. Allele origin: unknown.
Comment: Available data are insufficient to determine the clinical significance of the variant at this time. The frequency of this variant in the general population is uninformative in assessment of its pathogenicity. Computational tools yielded predictions that this variant is unlikely to have an effect on normal RNA splicing.

Labcorp Genetics (formerly Invitae), Labcorp
Classification: Uncertain significance. Last evaluated: 2023-04-07. Review status: criteria provided, single submitter. Criteria: Invitae Variant Classification Sherloc (09022015). Collection method: clinical testing. Allele origin: germline.
Comment: In summary, the available evidence is currently insufficient to determine the role of this variant in disease. Therefore, it has been classified as a Variant of Uncertain Significance. Variants that disrupt the consensus splice site are a relatively common cause of aberrant splicing (PMID: 17576681, 9536098). Algorithms developed to predict the effect of sequence changes on RNA splicing suggest that this variant is not likely to affect RNA splicing. This variant has not been reported in the literature in individuals affected with ITPR1-related conditions. The frequency data for this variant in the population databases is considered unreliable, as metrics indicate poor data quality at this position in the gnomAD database. This sequence change falls in intron 32 of the ITPR1 gene. It does not directly change the encoded amino acid sequence of the ITPR1 protein. It affects a nucleotide within the consensus splice site.

Literature cited by the submitters: PubMed 17576681 (cited by Labcorp Genetics (formerly Invitae), Labcorp); PubMed 9536098 (cited by Labcorp Genetics (formerly Invitae), Labcorp).